The following is an entry in ClinVar:

NM_019892.6(INPP5E):c.962_965del (p.Phe321fs)

Gene: INPP5E (inositol polyphosphate-5-phosphatase E; minus strand). Cytogenetic location: 9q34.3.
Variant type: Deletion.
Coding change: c.962_965del on transcript NM_019892.6 (MANE Select); coding-DNA positions 962 to 965, 4 bases deleted (TCCT; older notation c.962_965delTCCT).
Protein change: p.Phe321fs; shifts the reading frame from phenylalanine 321.
Molecular consequence: frameshift variant.
Genome position (GRCh38, 1-based): chr9:136,434,106-136,434,109, AGGA deleted on the plus strand (TCCT on the coding strand, the reverse complement: INPP5E is on the minus strand); deleting any 4 consecutive bases within chr9:136,434,106-136,434,110 gives the same sequence; the c. name uses the placement nearest the transcript's 3' end. VCF-style (leftmost placement, unchanged base first): chr9-136434105-CAGGA-C. GRCh37 (hg19) VCF-style: chr9-139328557-CAGGA-C.
Other names: c.962_965del, p.Phe321fs (NM_001318502.2); short protein forms F321fs.
Identifiers: ClinVar variation 5002452 (VCV005002452.1).

ClinVar aggregate classification (germline): Likely pathogenic (1 of 4 stars; one submission).

Conditions:
INPP5E-related disorder. Also called: INPP5E-related condition.

Submission:

PreventionGenetics, part of Exact Sciences
Classification: Likely pathogenic for INPP5E-related condition. Last evaluated: 2024-11-05. Review status: criteria provided, single submitter. Criteria: ACMG Guidelines, 2015. Collection method: clinical testing. Allele origin: germline.
Comment: The INPP5E c.962_965delTCCT variant is predicted to result in a frameshift and premature protein termination (p.Phe321Cysfs*72). To our knowledge, this variant has not been reported in the literature or in a large population database (gnomAD), indicating this variant is rare. Frameshift variants in INPP5E are expected to be pathogenic. This variant is interpreted as likely pathogenic.